The following is an entry in ClinVar:

ClinVar aggregate classification (germline): Uncertain significance. Review status: criteria provided, multiple submitters, no conflicts (2 of 4 stars). 2 submissions from 2 submitters: Uncertain significance (2). Last evaluated 2026-01-26.

Conditions:
Inborn genetic diseases. Identifiers: MedGen C0950123, MeSH D030342.

gnomAD v4.1: 1 of 1,614,070 alleles (0.000062%); highest among the groups gnomAD compares: Non-Finnish European, 0.000085%; no homozygotes.

Submissions (2):

Labcorp Genetics (formerly Invitae), Labcorp
Classification: Uncertain significance. Last evaluated: 2026-01-26. Review status: criteria provided, single submitter. Criteria: Invitae Variant Classification Sherloc (09022015). Collection method: clinical testing. Allele origin: germline.
Comment: This sequence change replaces valine, which is neutral and non-polar, with leucine, which is neutral and non-polar, at codon 1031 of the MECOM protein (p.Val1031Leu). This variant is not present in population databases (gnomAD no frequency). This variant has not been reported in the literature in individuals affected with MECOM-related conditions. ClinVar contains an entry for this variant (Variation ID: 2533815). Experimental studies and prediction algorithms are not available or were not evaluated, and the functional significance of this variant is currently unknown. In summary, the available evidence is currently insufficient to determine the role of this variant in disease. Therefore, it has been classified as a Variant of Uncertain Significance.

Ambry Genetics
Classification: Uncertain significance for Inborn genetic diseases. Last evaluated: 2025-05-21. Review status: criteria provided, single submitter. Criteria: Ambry Variant Classification Scheme 2023. Collection method: clinical testing. Allele origin: germline.
Comment: The p.V1219L variant (also known as c.3655G>T), located in coding exon 17 of the MECOM gene, results from a G to T substitution at nucleotide position 3655. The valine at codon 1219 is replaced by leucine, an amino acid with highly similar properties. This amino acid position is conserved. In addition, this alteration is predicted to be tolerated by in silico analysis. Based on the available evidence, the clinical significance of this variant remains unclear.

NM_004991.4(MECOM):c.3655G>T (p.Val1219Leu)

Gene: MECOM (MDS1 and EVI1 complex locus; minus strand). Cytogenetic location: 3q26.2.
Variant type: single nucleotide variant.
Coding change: c.3655G>T on transcript NM_004991.4 (MANE Select); coding-DNA position 3655, G replaced by T.
Protein change: p.Val1219Leu; replaces valine 1219 with leucine.
Molecular consequence: missense variant.
Genome position (GRCh38, 1-based): chr3:169,084,974, C>A on the plus strand (G>T on the coding strand, the complement: MECOM is on the minus strand). VCF-style: chr3-169084974-C-A. GRCh37 (hg19) VCF-style: chr3-168802762-C-A.
Other names: c.3286G>T, p.Val1096Leu (NM_001105077.4); c.3091G>T, p.Val1031Leu (NM_001105078.4, NM_001205194.2, NM_001366469.2 and 1 more transcripts); c.3067G>T, p.Val1023Leu (NM_001163999.2, NM_001366470.2); c.3064G>T, p.Val1022Leu (NM_001164000.2, NM_001366471.2, NM_001366472.2); c.3628G>T, p.Val1210Leu (NM_001366466.2); c.3094G>T, p.Val1032Leu (NM_001366467.2, NM_001366468.2); c.2656G>T, p.Val886Leu (NM_001366473.2); c.2092G>T, p.Val698Leu (NM_001366474.2); short protein forms V1031L, V1032L, V1022L, V1023L, V698L, V1096L, V1210L, V1219L.
Identifiers: ClinVar variation 2533815 (VCV002533815.6), dbSNP rs200073118, ClinGen allele CA355064149.